The following is an entry in ClinVar:

ClinVar aggregate classification (germline): Uncertain significance. Review status: criteria provided, multiple submitters, no conflicts (2 of 4 stars). 2 submissions from 2 submitters: Uncertain significance (2). Last evaluated 2026-02-23.

Conditions:
USH2A-related disorder. Also called: USH2A-related disorders; USH2A-related condition. Identifiers: MedGen CN239332.

Allele frequency attached by ClinVar (database versions not stated): gnomAD exomes below 0.00001 and 0.00002; TOPMed below 0.00001; gnomAD 0.00001; ExAC 0.00003; ESP Exome Variant Server 0.00008.
gnomAD v4.1: 5 of 1,614,010 alleles (0.00031%); highest among the groups gnomAD compares: Non-Finnish European, 0.00042%; no homozygotes.

Submissions (2):

Myriad Genetics, Inc.
Classification: Uncertain significance for USH2A-related disorder. Last evaluated: 2026-02-23. Review status: criteria provided, single submitter. Criteria: Myriad Autosomal Dominant, Autosomal Recessive and X-Linked Classification Criteria (2023). Collection method: clinical testing. Allele origin: unknown.
Comment: NM_206933.2(USH2A):c.14771G>T(S4924I) is a missense variant classified as a variant of uncertain significance in the context of USH2A-related disorders. S4924I has been observed in cases with relevant disease (PMID: 33546218, 38927702). Relevant functional assessments of this variant are not available in the literature. S4924I has been observed in referenced population frequency databases. In summary, there is insufficient evidence to classify NM_206933.2(USH2A):c.14771G>T(S4924I) as pathogenic or benign. Please note: this variant was assessed in the context of healthy population screening.

Labcorp Genetics (formerly Invitae), Labcorp
Classification: Uncertain significance. Last evaluated: 2022-03-19. Review status: criteria provided, single submitter. Criteria: Invitae Variant Classification Sherloc (09022015). Collection method: clinical testing. Allele origin: germline.
Comment: This sequence change replaces serine, which is neutral and polar, with isoleucine, which is neutral and non-polar, at codon 4924 of the USH2A protein (p.Ser4924Ile). This variant is present in population databases (rs145731949, gnomAD 0.004%). This variant has not been reported in the literature in individuals affected with USH2A-related conditions. Algorithms developed to predict the effect of missense changes on protein structure and function are either unavailable or do not agree on the potential impact of this missense change (SIFT: "Deleterious"; PolyPhen-2: "Benign"; Align-GVGD: "Class C0"). In summary, the available evidence is currently insufficient to determine the role of this variant in disease. Therefore, it has been classified as a Variant of Uncertain Significance.

Literature cited by the submitters: PubMed 33546218 (cited by Myriad Genetics, Inc.); PubMed 38927702 (cited by Myriad Genetics, Inc.).

NM_206933.4(USH2A):c.14771G>T (p.Ser4924Ile)

Gene: USH2A (usherin; minus strand). Cytogenetic location: 1q41.
Variant type: single nucleotide variant.
Coding change: c.14771G>T on transcript NM_206933.4 (MANE Select); coding-DNA position 14771, G replaced by T.
Protein change: p.Ser4924Ile; replaces serine 4924 with isoleucine.
Molecular consequence: missense variant.
Genome position (GRCh38, 1-based): chr1:215,647,542, C>A on the plus strand (G>T on the coding strand, the complement: USH2A is on the minus strand). VCF-style: chr1-215647542-C-A. GRCh37 (hg19) VCF-style: chr1-215820884-C-A.
Other names: short protein forms S4924I.
Identifiers: ClinVar variation 1434054 (VCV001434054.4), dbSNP rs145731949, ClinGen allele CA1392935.
Genomic context (GRCh38, chr1:215,647,542, plus strand): 5'-CCAATCTCTCTGGCTTATGGTAGCAGCCACTTATACTCACATTCTTTTTGGGTGGTGAAA[C>A]TGATCCACTCGGAAGCCGTACTGCCCACCTCGTTGTGTGCCACCACTCTCAGCTTGTATG-3'
Protein context (NP_996816.3, residues 4914-4934): EVGSTASEWI[Ser4924Ile]FTTQKELPQY